The following is an entry in ClinVar:

ClinVar aggregate classification (germline): Likely pathogenic (1 of 4 stars; one submission).

Submission:

Labcorp Genetics (formerly Invitae), Labcorp
Classification: Likely pathogenic. Last evaluated: 2023-10-04. Review status: criteria provided, single submitter. Criteria: Invitae Variant Classification Sherloc (09022015). Collection method: clinical testing. Allele origin: germline.
Comment: This sequence change affects a donor splice site in intron 28 of the COL27A1 gene. It is expected to disrupt RNA splicing. Variants that disrupt the donor or acceptor splice site typically lead to a loss of protein function (PMID: 16199547), and loss-of-function variants in COL27A1 are known to be pathogenic (PMID: 24986830, 28276056). This variant is not present in population databases (gnomAD no frequency). This variant has not been reported in the literature in individuals affected with COL27A1-related conditions. Algorithms developed to predict the effect of sequence changes on RNA splicing suggest that this variant may disrupt the consensus splice site. In summary, the currently available evidence indicates that the variant is pathogenic, but additional data are needed to prove that conclusively. Therefore, this variant has been classified as Likely Pathogenic.

Literature cited by the submitters: PubMed 16199547; PubMed 24986830; PubMed 28276056.

NM_032888.4(COL27A1):c.3195+2T>G

Gene: COL27A1 (collagen type XXVII alpha 1 chain; plus strand). Cytogenetic location: 9q32.
Variant type: single nucleotide variant.
Coding change: c.3195+2T>G on transcript NM_032888.4 (MANE Select); the canonical splice donor site of the intron after coding-DNA position 3195, T replaced by G.
Molecular consequence: splice donor variant.
Genome position (GRCh38, 1-based): chr9:114,258,596, T>G. VCF-style: chr9-114258596-T-G. GRCh37 (hg19) VCF-style: chr9-117020876-T-G.
Identifiers: ClinVar variation 2764975 (VCV002764975.3), dbSNP rs1834107819, ClinGen allele CA374595142.